The following is an entry in ClinVar:

NM_002691.4(POLD1):c.1929G>C (p.Gly643=)

Gene: POLD1 (DNA polymerase delta 1, catalytic subunit; plus strand). Cytogenetic location: 19q13.33.
Variant type: single nucleotide variant.
Coding change: c.1929G>C on transcript NM_002691.4 (MANE Select); coding-DNA position 1929, G replaced by C.
Protein change: p.Gly643=; no amino-acid change (glycine 643 retained).
Molecular consequence: synonymous variant. On other transcripts: non-coding transcript variant (1).
Genome position (GRCh38, 1-based): chr19:50,409,158, G>C. VCF-style: chr19-50409158-G-C. GRCh37 (hg19) VCF-style: chr19-50912415-G-C.
Other names: c.1929G>C, p.Gly643= (NM_001256849.1); c.2007G>C, p.Gly669= (NM_001308632.1).
Identifiers: ClinVar variation 510010 (VCV000510010.13), dbSNP rs1555791852, ClinGen allele CA508304913.

ClinVar aggregate classification (germline): Likely benign. Review status: criteria provided, multiple submitters, no conflicts (2 of 4 stars). 3 submissions from 3 submitters: Likely benign (3). Last evaluated 2025-06-18.

Conditions:
Hereditary cancer-predisposing syndrome. Also called: Tumor predisposition; Hereditary Cancer Syndrome; Hereditary neoplastic syndrome; Neoplastic Syndromes, Hereditary. Identifiers: Orphanet 140162, MedGen C0027672, MeSH D009386, MONDO:0015356.
POLD1-related polyposis and colorectal cancer syndrome (CRCS10). Also called: Colorectal cancer 10; COLORECTAL CANCER, SUSCEPTIBILITY TO, ON CHROMOSOME 19q; Colorectal cancer, susceptibility to, 10. Identifiers: Orphanet 220460, MedGen C2675481, MONDO:0012953, OMIM 612591.

Submissions (3):

Labcorp Genetics (formerly Invitae), Labcorp
Classification: Likely benign for POLD1-related polyposis and colorectal cancer syndrome. Last evaluated: 2025-06-18. Review status: criteria provided, single submitter. Criteria: Invitae Variant Classification Sherloc (09022015). Collection method: clinical testing. Allele origin: germline.

Ambry Genetics
Classification: Likely benign for Hereditary cancer-predisposing syndrome. Last evaluated: 2019-03-09. Review status: criteria provided, single submitter. Criteria: Ambry Variant Classification Scheme 2023. Collection method: clinical testing. Allele origin: germline.

GeneDx
Classification: Likely benign. Last evaluated: 2017-06-05. Review status: criteria provided, single submitter. Criteria: GeneDx Variant Classification (06012015). Collection method: clinical testing. Allele origin: germline. Affected: yes.
Comment: This variant is considered likely benign or benign based on one or more of the following criteria: it is a conservative change, it occurs at a poorly conserved position in the protein, it is predicted to be benign by multiple in silico algorithms, and/or has population frequency not consistent with disease.